The following is an entry in ClinVar:

NM_005120.3(MED12):c.1922C>T (p.Ala641Val)

Gene: MED12 (mediator complex subunit 12; plus strand). Cytogenetic location: Xq13.1.
Variant type: single nucleotide variant.
Coding change: c.1922C>T on transcript NM_005120.3 (MANE Select); coding-DNA position 1922, C replaced by T.
Protein change: p.Ala641Val; replaces alanine 641 with valine.
Molecular consequence: missense variant.
Genome position (GRCh38, 1-based): chrX:71,124,336, C>T. VCF-style: chrX-71124336-C-T. GRCh37 (hg19) VCF-style: chrX-70344186-C-T.
Other names: short protein forms A641V.
Identifiers: ClinVar variation 1982758 (VCV001982758.4), dbSNP rs2519675582, ClinGen allele CA413509907.

ClinVar aggregate classification (germline): Uncertain significance (1 of 4 stars; one submission).

Conditions:
FG syndrome (FGS). Identifiers: MedGen C0220769, MONDO:0002010.

Submission:

Labcorp Genetics (formerly Invitae), Labcorp
Classification: Uncertain significance for FG syndrome. Last evaluated: 2022-03-29. Review status: criteria provided, single submitter. Criteria: Invitae Variant Classification Sherloc (09022015). Collection method: clinical testing. Allele origin: germline.
Comment: In summary, the available evidence is currently insufficient to determine the role of this variant in disease. Therefore, it has been classified as a Variant of Uncertain Significance. Advanced modeling of protein sequence and biophysical properties (such as structural, functional, and spatial information, amino acid conservation, physicochemical variation, residue mobility, and thermodynamic stability) performed at Invitae indicates that this missense variant is not expected to disrupt MED12 protein function. This variant has not been reported in the literature in individuals affected with MED12-related conditions. This variant is not present in population databases (gnomAD no frequency). This sequence change replaces alanine, which is neutral and non-polar, with valine, which is neutral and non-polar, at codon 641 of the MED12 protein (p.Ala641Val).